The following is an entry in ClinVar:

ClinVar aggregate classification (germline): Uncertain significance (1 of 4 stars; one submission).

Conditions:
Gingival disorder. Also called: Gingival disease. Identifiers: MedGen C0017563, MONDO:0002021.

Allele frequency attached by ClinVar (database versions not stated): gnomAD exomes 0.00001; TOPMed 0.00001; ExAC 0.00002.
gnomAD v4.1: 12 of 1,614,154 alleles (0.00074%); highest among the groups gnomAD compares: Non-Finnish European, 0.00085%; no homozygotes.

Submission:

Labcorp Genetics (formerly Invitae), Labcorp
Classification: Uncertain significance for Gingival disorder. Last evaluated: 2024-10-28. Review status: criteria provided, single submitter. Criteria: Invitae Variant Classification Sherloc (09022015). Collection method: clinical testing. Allele origin: germline.
Comment: This sequence change replaces isoleucine, which is neutral and non-polar, with asparagine, which is neutral and polar, at codon 62 of the FPR1 protein (p.Ile62Asn). This variant is present in population databases (rs768554070, gnomAD 0.004%). This variant has not been reported in the literature in individuals affected with FPR1-related conditions. ClinVar contains an entry for this variant (Variation ID: 2165787). An algorithm developed to predict the effect of missense changes on protein structure and function (PolyPhen-2) suggests that this variant is likely to be disruptive. In summary, the available evidence is currently insufficient to determine the role of this variant in disease. Therefore, it has been classified as a Variant of Uncertain Significance.

NM_002029.4(FPR1):c.185T>A (p.Ile62Asn)

Gene: FPR1 (formyl peptide receptor 1; minus strand). Cytogenetic location: 19q13.41.
Variant type: single nucleotide variant.
Coding change: c.185T>A on transcript NM_002029.4 (MANE Select); coding-DNA position 185, T replaced by A.
Protein change: p.Ile62Asn; replaces isoleucine 62 with asparagine.
Molecular consequence: missense variant.
Genome position (GRCh38, 1-based): chr19:51,746,810, A>T on the plus strand (T>A on the coding strand, the complement: FPR1 is on the minus strand). VCF-style: chr19-51746810-A-T. GRCh37 (hg19) VCF-style: chr19-52250063-A-T.
Other names: c.185T>A, p.Ile62Asn (NM_001193306.2); short protein forms I62N.
Identifiers: ClinVar variation 2165787 (VCV002165787.4), dbSNP rs768554070, ClinGen allele CA9616513.